The following is an entry in ClinVar:

NM_145059.3(FCSK):c.2015G>A (p.Arg672His)

Gene: FCSK (fucose kinase; plus strand). Cytogenetic location: 16q22.1.
Variant type: single nucleotide variant.
Coding change: c.2015G>A on transcript NM_145059.3 (MANE Select); coding-DNA position 2015, G replaced by A.
Protein change: p.Arg672His; replaces arginine 672 with histidine.
Molecular consequence: missense variant.
Genome position (GRCh38, 1-based): chr16:70,474,554, G>A. VCF-style: chr16-70474554-G-A. GRCh37 (hg19) VCF-style: chr16-70508457-G-A.
Other names: short protein forms R672H.
Identifiers: ClinVar variation 1959586 (VCV001959586.5), dbSNP rs756205868, ClinGen allele CA8143477.

ClinVar aggregate classification (germline): Uncertain significance (1 of 4 stars; one submission).

Allele frequency attached by ClinVar (database versions not stated): gnomAD 0.00001; TOPMed 0.00001; ExAC 0.00010.

Submission:

Labcorp Genetics (formerly Invitae), Labcorp
Classification: Uncertain significance. Last evaluated: 2022-02-08. Review status: criteria provided, single submitter. Criteria: Invitae Variant Classification Sherloc (09022015). Collection method: clinical testing. Allele origin: germline.
Comment: In summary, the available evidence is currently insufficient to determine the role of this variant in disease. Therefore, it has been classified as a Variant of Uncertain Significance. Algorithms developed to predict the effect of missense changes on protein structure and function are either unavailable or do not agree on the potential impact of this missense change (SIFT: "Deleterious"; PolyPhen-2: "Probably Damaging"; Align-GVGD: "Class C0"). This variant has not been reported in the literature in individuals affected with FUK-related conditions. This variant is present in population databases (rs756205868, gnomAD 0.03%). This sequence change replaces arginine, which is basic and polar, with histidine, which is basic and polar, at codon 672 of the FUK protein (p.Arg672His).